The following is an entry in ClinVar:

ClinVar aggregate classification (germline): Uncertain significance. Review status: criteria provided, multiple submitters, no conflicts (2 of 4 stars). 2 submissions from 2 submitters: Uncertain significance (2). Last evaluated 2024-05-26.

Conditions:
Inborn genetic diseases. Identifiers: MedGen C0950123, MeSH D030342.

Allele frequency attached by ClinVar (database versions not stated): gnomAD exomes 0.00001 and 0.00002; ExAC 0.00002; gnomAD 0.00002; TOPMed 0.00003.
gnomAD v4.1: 23 of 1,613,878 alleles (0.0014%); highest among the groups gnomAD compares: East Asian, 0.0022%; no homozygotes.

Submissions (2):

Ambry Genetics
Classification: Uncertain significance for Inborn genetic diseases. Last evaluated: 2024-05-26. Review status: criteria provided, single submitter. Criteria: Ambry Variant Classification Scheme 2023. Collection method: clinical testing. Allele origin: germline.

Labcorp Genetics (formerly Invitae), Labcorp
Classification: Uncertain significance. Last evaluated: 2024-01-19. Review status: criteria provided, single submitter. Criteria: Invitae Variant Classification Sherloc (09022015). Collection method: clinical testing. Allele origin: germline.
Comment: This sequence change replaces alanine, which is neutral and non-polar, with threonine, which is neutral and polar, at codon 497 of the SLC24A1 protein (p.Ala497Thr). This variant is present in population databases (rs765018665, gnomAD 0.003%). This variant has not been reported in the literature in individuals affected with SLC24A1-related conditions. ClinVar contains an entry for this variant (Variation ID: 1005698). An algorithm developed to predict the effect of missense changes on protein structure and function (PolyPhen-2) suggests that this variant is likely to be disruptive. In summary, the available evidence is currently insufficient to determine the role of this variant in disease. Therefore, it has been classified as a Variant of Uncertain Significance.

NM_004727.3(SLC24A1):c.1489G>A (p.Ala497Thr)

Gene: SLC24A1 (solute carrier family 24 member 1; plus strand). Cytogenetic location: 15q22.31.
Variant type: single nucleotide variant.
Coding change: c.1489G>A on transcript NM_004727.3 (MANE Select); coding-DNA position 1489, G replaced by A.
Protein change: p.Ala497Thr; replaces alanine 497 with threonine.
Molecular consequence: missense variant.
Genome position (GRCh38, 1-based): chr15:65,625,569, G>A. VCF-style: chr15-65625569-G-A. GRCh37 (hg19) VCF-style: chr15-65917907-G-A.
Other names: c.1489G>A, p.Ala497Thr (NM_001301031.1, NM_001301032.1, NM_001301033.2); c.1489G>A (NM_004727.2); short protein forms A497T.
Identifiers: ClinVar variation 1005698 (VCV001005698.5), dbSNP rs765018665, ClinGen allele CA7619922.